The following is an entry in ClinVar:

ClinVar aggregate classification (germline): Benign (1 of 4 stars; one submission).

Submission:

CeGaT Center for Human Genetics Tuebingen
Classification: Benign. Last evaluated: 2022-05-01. Review status: criteria provided, single submitter. Criteria: CeGaT Center For Human Genetics Tuebingen Variant Classification Criteria Version 2. Collection method: clinical testing. Allele origin: germline. Affected: yes. Observed: 1 variant allele.
Comment: HCN4: BS1, BS2

NC_000015.10:g.73376895G>T

Genes: HCN4 (hyperpolarization activated cyclic nucleotide gated potassium channel 4; minus strand), LOC110121492 (VISTA enhancer hs2161; plus strand). Cytogenetic location: 15q24.1.
Variant type: single nucleotide variant.
Genome position: GRCh38 VCF-style: chr15-73376895-G-T. GRCh37 (hg19) VCF-style: chr15-73669236-G-T.
Identifiers: ClinVar variation 2645519 (VCV002645519.24), dbSNP rs866764673, ClinGen allele CA619078996.